The following is an entry in ClinVar:

NM_001166108.2(PALLD):c.1965-12552G>C

Gene: PALLD (palladin, cytoskeletal associated protein; plus strand). Cytogenetic location: 4q32.3.
Variant type: single nucleotide variant.
Coding change: c.1965-12552G>C on transcript NM_001166108.2 (MANE Select); 12552 bases into the intron before coding-DNA position 1965, G replaced by C.
Molecular consequence: intron variant. On other transcripts: missense variant (1).
Genome position (GRCh38, 1-based): chr4:168,878,370, G>C. VCF-style: chr4-168878370-G-C. GRCh37 (hg19) VCF-style: chr4-169799521-G-C.
Other names: c.479G>C, p.Gly160Ala (NM_001166110.2); c.1965-12552G>C (NM_016081.4); c.819-12552G>C (NM_001166109.2); c.-157-12552G>C (NM_001367570.1, NM_001367568.1, NM_001367567.1 and 1 more transcripts); short protein forms G160A.
Identifiers: ClinVar variation 580788 (VCV000580788.11), dbSNP rs557697540, ClinGen allele CA3135784.

ClinVar aggregate classification (germline): Uncertain significance. Review status: criteria provided, multiple submitters, no conflicts (2 of 4 stars). 2 submissions from 2 submitters: Uncertain significance (2). Last evaluated 2026-03-11.

Conditions:
Pancreatic adenocarcinoma. Identifiers: MedGen C0281361, MONDO:0006047, HP:0006725.

Allele frequency attached by ClinVar (database versions not stated): gnomAD 0.00002 and 0.00005; gnomAD exomes 0.00006; ExAC 0.00036; 1000 Genomes Project 30x 0.00047; 1000 Genomes Project 0.00060.
gnomAD v4.1: 46 of 1,514,546 alleles (0.003%); highest among the groups gnomAD compares: South Asian, 0.045%; 3 homozygotes.

Submissions (2):

Ambry Genetics
Classification: Uncertain significance. Last evaluated: 2026-03-11. Review status: criteria provided, single submitter. Criteria: Ambry Variant Classification Scheme 2023. Collection method: clinical testing. Allele origin: germline.
Comment: The p.G160A variant (also known as c.479G>C), located in coding exon 1 of the PALLD gene, results from a G to C substitution at nucleotide position 479. The glycine at codon 160 is replaced by alanine, an amino acid with similar properties. This amino acid position is highly conserved in available vertebrate species. In addition, this alteration is predicted to be tolerated by in silico analysis. The evidence for this gene-disease relationship is limited; therefore, the clinical significance of this variant is unclear.

Labcorp Genetics (formerly Invitae), Labcorp
Classification: Uncertain significance for Pancreatic adenocarcinoma. Last evaluated: 2025-10-09. Review status: criteria provided, single submitter. Criteria: Invitae Variant Classification Sherloc (09022015). Collection method: clinical testing. Allele origin: germline.
Comment: This sequence change replaces glycine, which is neutral and non-polar, with alanine, which is neutral and non-polar, at codon 160 of the PALLD protein (p.Gly160Ala). This variant is present in population databases (rs557697540, gnomAD 0.03%). This variant has not been reported in the literature in individuals affected with PALLD-related conditions. ClinVar contains an entry for this variant (Variation ID: 580788). An algorithm developed to predict the effect of missense changes on protein structure and function (PolyPhen-2) suggests that this variant is likely to be tolerated. In summary, the available evidence is currently insufficient to determine the role of this variant in disease. Therefore, it has been classified as a Variant of Uncertain Significance.